The following is an entry in ClinVar:

NM_001365902.3(NFIX):c.655T>G (p.Ser219Ala)

Gene: NFIX (nuclear factor I X; plus strand). Cytogenetic location: 19p13.13.
Variant type: single nucleotide variant.
Coding change: c.655T>G on transcript NM_001365902.3 (MANE Select); coding-DNA position 655, T replaced by G.
Protein change: p.Ser219Ala; replaces serine 219 with alanine.
Molecular consequence: missense variant.
Genome position (GRCh38, 1-based): chr19:13,073,454, T>G. VCF-style: chr19-13073454-T-G. GRCh37 (hg19) VCF-style: chr19-13184268-T-G.
Other names: c.679T>G, p.Ser227Ala (NM_001271043.2); c.631T>G, p.Ser211Ala (NM_001271044.3, NM_001378404.1); c.655T>G, p.Ser219Ala (NM_001365982.2, NM_002501.4); c.514T>G, p.Ser172Ala (NM_001365983.2); c.652T>G, p.Ser218Ala (NM_001365984.2, NM_001365985.2); c.703T>G, p.Ser235Ala (NM_001378405.1); short protein forms S172A, S211A, S218A, S219A, S227A, S235A.
Identifiers: ClinVar variation 2649364 (VCV002649364.24), dbSNP rs1300698946, ClinGen allele CA404294223.

ClinVar aggregate classification (germline): Uncertain significance (1 of 4 stars; one submission).

Allele frequency attached by ClinVar (database versions not stated): TOPMed below 0.00001; gnomAD 0.00001.
gnomAD v4.1: 1 of 1,613,900 alleles (0.000062%); highest among the groups gnomAD compares: African/African-American, 0.0013%; no homozygotes.

Submission:

CeGaT Center for Human Genetics Tuebingen
Classification: Uncertain significance. Last evaluated: 2023-07-01. Review status: criteria provided, single submitter. Criteria: CeGaT Center For Human Genetics Tuebingen Variant Classification Criteria Version 2. Collection method: clinical testing. Allele origin: germline. Affected: yes. Observed: 1 variant allele.
Comment: NFIX: PP2